The following is an entry in ClinVar:

NM_001184.4(ATR):c.2749G>T (p.Ala917Ser)

Gene: ATR (ATR checkpoint kinase; minus strand). Cytogenetic location: 3q23.
Variant type: single nucleotide variant.
Coding change: c.2749G>T on transcript NM_001184.4 (MANE Select); coding-DNA position 2749, G replaced by T.
Protein change: p.Ala917Ser; replaces alanine 917 with serine.
Molecular consequence: missense variant.
Genome position (GRCh38, 1-based): chr3:142,553,283, C>A on the plus strand (G>T on the coding strand, the complement: ATR is on the minus strand). VCF-style: chr3-142553283-C-A. GRCh37 (hg19) VCF-style: chr3-142272125-C-A.
Other names: c.2557G>T, p.Ala853Ser (NM_001354579.2); short protein forms A853S, A917S.
Identifiers: ClinVar variation 3221098 (VCV003221098.1), dbSNP rs2108462169, ClinGen allele CA354814472.

ClinVar aggregate classification (germline): Uncertain significance (1 of 4 stars; one submission).

Conditions:
Inborn genetic diseases. Identifiers: MedGen C0950123, MeSH D030342.

Submission:

Ambry Genetics
Classification: Uncertain significance for Inborn genetic diseases. Last evaluated: 2024-02-20. Review status: criteria provided, single submitter. Criteria: Ambry Variant Classification Scheme 2023. Collection method: clinical testing. Allele origin: germline.
Comment: The p.A917S variant (also known as c.2749G>T), located in coding exon 13 of the ATR gene, results from a G to T substitution at nucleotide position 2749. The alanine at codon 917 is replaced by serine, an amino acid with similar properties. This amino acid position is conserved. In addition, this alteration is predicted to be tolerated by in silico analysis. Based on the available evidence, the clinical significance of this alteration remains unclear.